The following is an entry in ClinVar:

NM_000465.4(BARD1):c.1873C>A (p.Leu625Ile)

Gene: BARD1 (BRCA1 associated RING domain 1; minus strand). Cytogenetic location: 2q35.
Variant type: single nucleotide variant.
Coding change: c.1873C>A on transcript NM_000465.4 (MANE Select); coding-DNA position 1873, C replaced by A.
Protein change: p.Leu625Ile; replaces leucine 625 with isoleucine.
Molecular consequence: missense variant. On other transcripts: non-coding transcript variant (3), intron variant (1).
Genome position (GRCh38, 1-based): chr2:214,745,097, G>T on the plus strand (C>A on the coding strand, the complement: BARD1 is on the minus strand). VCF-style: chr2-214745097-G-T. GRCh37 (hg19) VCF-style: chr2-215609821-G-T.
Other names: c.1816C>A, p.Leu606Ile (NM_001282543.2); c.520C>A, p.Leu174Ile (NM_001282545.2); c.463C>A, p.Leu155Ile (NM_001282548.2); c.365-14589C>A (NM_001282549.2); short protein forms L155I, L606I, L174I, L625I.
Identifiers: ClinVar variation 820200 (VCV000820200.5), dbSNP rs1574737211, ClinGen allele CA350452116.
Genomic context (GRCh38, chr2:214,745,097, plus strand): 5'-TTTCTTAATTCTCTCAAATCCAACACTTACATTCAAATTTTAGAATCCAGCATCCATTGA[G>T]AATCCCAAGCATACACTTCAAGGTACTTTGAACTGCATCACCAGGAACAACAACATGAGT-3'
Protein context (NP_000456.2, residues 615-635): QSTLKCMLGI[Leu625Ile]NGCWILKFEW

ClinVar aggregate classification (germline): Uncertain significance (1 of 4 stars; one submission).

Conditions:
Hereditary cancer-predisposing syndrome. Also called: Neoplastic Syndromes, Hereditary; Tumor predisposition; Hereditary Cancer Syndrome; Hereditary neoplastic syndrome. Identifiers: Orphanet 140162, MedGen C0027672, MeSH D009386, MONDO:0015356.

Allele frequency attached by ClinVar (database versions not stated): gnomAD exomes below 0.00001.
gnomAD v4.1: 1 of 1,613,936 alleles (0.000062%); highest among the groups gnomAD compares: African/African-American, 0.0013%; no homozygotes.

Submission:

Ambry Genetics
Classification: Uncertain significance for Hereditary cancer-predisposing syndrome. Last evaluated: 2023-07-01. Review status: criteria provided, single submitter. Criteria: Ambry Variant Classification Scheme 2023. Collection method: clinical testing. Allele origin: germline.
Comment: The p.L625I variant (also known as c.1873C>A), located in coding exon 9 of the BARD1 gene, results from a C to A substitution at nucleotide position 1873. The leucine at codon 625 is replaced by isoleucine, an amino acid with highly similar properties. This amino acid position is well conserved in available vertebrate species. In addition, this alteration is predicted to be tolerated by in silico analysis. Since supporting evidence is limited at this time, the clinical significance of this alteration remains unclear.